The following is an entry in ClinVar:

NM_000138.5(FBN1):c.6809G>T (p.Gly2270Val)

Gene: FBN1 (fibrillin 1; minus strand). Cytogenetic location: 15q21.1.
Variant type: single nucleotide variant.
Coding change: c.6809G>T on transcript NM_000138.5 (MANE Select); coding-DNA position 6809, G replaced by T.
Protein change: p.Gly2270Val; replaces glycine 2270 with valine.
Molecular consequence: missense variant.
Genome position (GRCh38, 1-based): chr15:48,430,733, C>A on the plus strand (G>T on the coding strand, the complement: FBN1 is on the minus strand). VCF-style: chr15-48430733-C-A. GRCh37 (hg19) VCF-style: chr15-48722930-C-A.
Other names: short protein forms G2270V.
Identifiers: ClinVar variation 855685 (VCV000855685.1), dbSNP rs1566894274, ClinGen allele CA392332343.

ClinVar aggregate classification (germline): Uncertain significance (1 of 4 stars; one submission).

Conditions:
Familial thoracic aortic aneurysm and aortic dissection (TAAD). Also called: Thoracic aortic aneurysms and dissections. Identifiers: Orphanet 91387, MedGen C4707243, MONDO:0019625.
Marfan syndrome (MFS). Also called: FBN1-Related Marfan Syndrome; Marfan's syndrome; MARFAN SYNDROME, TYPE I; Marfan syndrome type 1; Marfan syndrome, classic. Identifiers: Orphanet 284963, Orphanet 558, MedGen C0024796, MONDO:0007947, OMIM 154700.

Submission:

Labcorp Genetics (formerly Invitae), Labcorp
Classification: Uncertain significance for Marfan syndrome; Familial thoracic aortic aneurysm and aortic dissection. Last evaluated: 2019-04-11. Review status: criteria provided, single submitter. Criteria: Invitae Variant Classification Sherloc (09022015). Collection method: clinical testing. Allele origin: germline.
Comment: This sequence change replaces glycine with valine at codon 2270 of the FBN1 protein (p.Gly2270Val). The glycine residue is highly conserved and there is a moderate physicochemical difference between glycine and valine. This variant is not present in population databases (ExAC no frequency). This variant has not been reported in the literature in individuals with FBN1-related conditions. Algorithms developed to predict the effect of missense changes on protein structure and function are either unavailable or do not agree on the potential impact of this missense change (SIFT: "Deleterious"; PolyPhen-2: "Probably Damaging"; Align-GVGD: "Class C0"). In summary, the available evidence is currently insufficient to determine the role of this variant in disease. Therefore, it has been classified as a Variant of Uncertain Significance.